The following is an entry in ClinVar:

ClinVar aggregate classification (germline): Likely benign. Review status: criteria provided, single submitter (1 of 4 stars). 2 submissions from 2 submitters: Likely benign (1). 1 of the submissions does not count toward it. Last evaluated 2025-03-04.

Conditions:
NF1-related disorder. Also called: NF1-related condition. Identifiers: MedGen CN379171.

Submissions (2):

Center for Genomic Medicine, Rigshospitalet, Copenhagen University Hospital
Classification: Likely benign. Last evaluated: 2025-03-04. Review status: criteria provided, single submitter. Criteria: ACMG Guidelines, 2015. Collection method: clinical testing. Allele origin: germline.

PreventionGenetics, part of Exact Sciences
Classification: Likely benign for NF1-related condition. Last evaluated: 2023-11-28. Review status: no assertion criteria provided. Collection method: clinical testing. Allele origin: germline. Not counted in ClinVar's aggregate classification.
Comment: This variant is classified as likely benign based on ACMG/AMP sequence variant interpretation guidelines (Richards et al. 2015 PMID: 25741868, with internal and published modifications).

NM_001042492.3(NF1):c.6148-17del

Gene: NF1 (neurofibromin 1; plus strand). Cytogenetic location: 17q11.2.
Variant type: Deletion.
Coding change: c.6148-17del on transcript NM_001042492.3 (MANE Select); 17 bases into the intron before coding-DNA position 6148, one base deleted (A; older notation c.6148-17delA).
Molecular consequence: intron variant.
Genome position (GRCh38, 1-based): chr17:31,336,618, A deleted; the last of 11 consecutive A bases (chr17:31,336,608-31,336,618); deleting any one gives the same sequence. VCF-style (leftmost placement, unchanged base first): chr17-31336607-TA-T. GRCh37 (hg19) VCF-style: chr17-29663625-TA-T.
Other names: c.6085-17delA (NM_000267.3); c.6085-17del (NM_000267.4).
Identifiers: ClinVar variation 3037932 (VCV003037932.4), dbSNP rs33925668, ClinGen allele CA8487319.
Genomic context (GRCh38, chr17:31,336,607, plus strand): 5'-TACTTTTAAATTAAACTGAACTTTTTTGTGCTAAAACTTTGAGTCCCATGTTTTTTTTTT[TA>T]AAAAAAAAAATCCTGCTTCTTTACAGGTTATTGGAAGGATGTGCAAAATAATTGACAAGA-3'